The following is an entry in ClinVar:

ClinVar aggregate classification (germline): Uncertain significance. Review status: criteria provided, multiple submitters, no conflicts (2 of 4 stars). 2 submissions from 2 submitters: Uncertain significance (2). Last evaluated 2025-10-03.

Conditions:
Inborn genetic diseases. Identifiers: MedGen C0950123, MeSH D030342.
Autosomal dominant Parkinson disease 8. Also called: Parkinson disease 8, susceptibility to; LRRK2-Related Parkinson Disease; Parkinson disease 8. Identifiers: Orphanet 411602, MedGen C1846862, MONDO:0011764, OMIM 607060.

Allele frequency attached by ClinVar (database versions not stated): gnomAD exomes 0.00001; TOPMed 0.00001; gnomAD 0.00002.
gnomAD v4.1: 16 of 1,611,116 alleles (0.00099%); highest among the groups gnomAD compares: Non-Finnish European, 0.0014%; no homozygotes.

Submissions (2):

Labcorp Genetics (formerly Invitae), Labcorp
Classification: Uncertain significance for Autosomal dominant Parkinson disease 8. Last evaluated: 2025-10-03. Review status: criteria provided, single submitter. Criteria: Invitae Variant Classification Sherloc (09022015). Collection method: clinical testing. Allele origin: germline.
Comment: This sequence change replaces lysine, which is basic and polar, with isoleucine, which is neutral and non-polar, at codon 657 of the LRRK2 protein (p.Lys657Ile). This variant is present in population databases (no rsID available, gnomAD 0.007%). This missense change has been observed in individual(s) with progressive supranuclear palsy (PMID: 33640967). ClinVar contains an entry for this variant (Variation ID: 1783607). Invitae Evidence Modeling of protein sequence and biophysical properties (such as structural, functional, and spatial information, amino acid conservation, physicochemical variation, residue mobility, and thermodynamic stability) has been performed for this missense variant. However, the output from this modeling did not meet the statistical confidence thresholds required to predict the impact of this variant on LRRK2 protein function. In summary, the available evidence is currently insufficient to determine the role of this variant in disease. Therefore, it has been classified as a Variant of Uncertain Significance.

Ambry Genetics
Classification: Uncertain significance for Inborn genetic diseases. Last evaluated: 2023-08-29. Review status: criteria provided, single submitter. Criteria: Ambry Variant Classification Scheme 2023. Collection method: clinical testing. Allele origin: germline.
Comment: The p.K657I variant (also known as c.1970A>T), located in coding exon 17 of the LRRK2 gene, results from an A to T substitution at nucleotide position 1970. The lysine at codon 657 is replaced by isoleucine, an amino acid with dissimilar properties. This amino acid position is conserved. In addition, this alteration is predicted to be tolerated by in silico analysis. Since supporting evidence is limited at this time, the clinical significance of this alteration remains unclear.

Literature cited by the submitters: PubMed 33640967 (cited by Labcorp Genetics (formerly Invitae), Labcorp).

NM_198578.4(LRRK2):c.1970A>T (p.Lys657Ile)

Gene: LRRK2 (leucine rich repeat kinase 2; plus strand). Cytogenetic location: 12q12.
Variant type: single nucleotide variant.
Coding change: c.1970A>T on transcript NM_198578.4 (MANE Select); coding-DNA position 1970, A replaced by T.
Protein change: p.Lys657Ile; replaces lysine 657 with isoleucine.
Molecular consequence: missense variant.
Genome position (GRCh38, 1-based): chr12:40,277,916, A>T. VCF-style: chr12-40277916-A-T. GRCh37 (hg19) VCF-style: chr12-40671718-A-T.
Other names: short protein forms K657I.
Identifiers: ClinVar variation 1783607 (VCV001783607.8), dbSNP rs1262633496, ClinGen allele CA384404412.